The following is an entry in ClinVar:

ClinVar aggregate classification (germline): Benign. Review status: criteria provided, multiple submitters, no conflicts (2 of 4 stars). 2 submissions from 2 submitters: Benign (2). Last evaluated 2021-08-19.

Conditions:
Dilated cardiomyopathy 1JJ (CMD1JJ). Identifiers: Orphanet 154, MedGen C3808935, MONDO:0014095, OMIM 615235.

Allele frequency attached by ClinVar (database versions not stated): gnomAD exomes 0.74516 and 0.79172; ExAC 0.79039; ESP Exome Variant Server 0.79042; gnomAD 0.79915 and 0.80202; TOPMed 0.82505; 1000 Genomes Project 0.90056.
gnomAD v4.1: 893,818 of 1,185,648 alleles (75%); highest among the groups gnomAD compares: East Asian, 99%; 342,971 homozygotes.

Submissions (2):

Genome-Nilou Lab
Classification: Benign for Dilated cardiomyopathy 1JJ. Last evaluated: 2021-08-19. Review status: criteria provided, single submitter. Criteria: ACMG Guidelines, 2015. Collection method: clinical testing. Allele origin: germline. Affected: no.

GeneDx
Classification: Benign. Last evaluated: 2018-06-14. Review status: criteria provided, single submitter. Criteria: GeneDx Variant Classification (06012015). Collection method: clinical testing. Allele origin: germline. Affected: yes.
Comment: This variant is considered likely benign or benign based on one or more of the following criteria: it is a conservative change, it occurs at a poorly conserved position in the protein, it is predicted to be benign by multiple in silico algorithms, and/or has population frequency not consistent with disease.

NM_001105206.3(LAMA4):c.967-34C>A

Gene: LAMA4 (laminin subunit alpha 4; minus strand). Cytogenetic location: 6q21.
Variant type: single nucleotide variant.
Coding change: c.967-34C>A on transcript NM_001105206.3 (MANE Select); 34 bases into the intron before coding-DNA position 967, C replaced by A.
Molecular consequence: intron variant.
Genome position (GRCh38, 1-based): chr6:112,185,381, G>T on the plus strand (C>A on the coding strand, the complement: LAMA4 is on the minus strand). VCF-style: chr6-112185381-G-T. GRCh37 (hg19) VCF-style: chr6-112506583-G-T.
Other names: c.946-34C>A (NM_002290.5, NM_001105207.3).
Identifiers: ClinVar variation 671115 (VCV000671115.3), dbSNP rs6908219, ClinGen allele CA3965942.